The following is an entry in ClinVar:

NM_001111.5(ADAR):c.3201G>A (p.Leu1067=)

Gene: ADAR (adenosine deaminase RNA specific; minus strand). Cytogenetic location: 1q21.3.
Variant type: single nucleotide variant.
Coding change: c.3201G>A on transcript NM_001111.5 (MANE Select); coding-DNA position 3201, G replaced by A.
Protein change: p.Leu1067=; no amino-acid change (leucine 1067 retained).
Molecular consequence: synonymous variant.
Genome position (GRCh38, 1-based): chr1:154,586,182, C>T on the plus strand (G>A on the coding strand, the complement: ADAR is on the minus strand). VCF-style: chr1-154586182-C-T. GRCh37 (hg19) VCF-style: chr1-154558658-C-T.
Other names: c.3201G>A, p.Leu1067= (LRG_1212t1); c.2316G>A, p.Leu772= (NM_001025107.3, NM_001193495.2, NM_001365046.1 and 2 more transcripts); c.3228G>A, p.Leu1076= (NM_001365045.1); c.2238G>A, p.Leu746= (NM_001365049.1); c.3123G>A, p.Leu1041= (NM_015840.4); c.3066G>A, p.Leu1022= (NM_015841.4).
Identifiers: ClinVar variation 392448 (VCV000392448.5), dbSNP rs750105086, ClinGen allele CA1131035.
Genomic context (GRCh38, chr1:154,586,182, plus strand): 5'-TTTGGGATCTGGGCACAAGAAGGACAGACCAGTTCCAGATCCCAAGGCAGGCCCCTTACC[C>T]AATGTGACAGATTTGAGATAAATGGGCTGCAGGAAGTGGGTCAACAGTGCCCCTTGCAGG-3'
Protein context (NP_001102.3, residues 1057-1077): LQPIYLKSVT[Leu1067=]GYLFSQGHLT

ClinVar aggregate classification (germline): Conflicting classifications of pathogenicity. Review status: criteria provided, conflicting classifications (1 of 4 stars). 2 submissions from 2 submitters: Uncertain significance (1); Likely benign (1). Last evaluated 2025-04-24.

Conditions:
Symmetrical dyschromatosis of extremities (DSH). Also called: RETICULATE ACROPIGMENTATION OF DOHI; SYMMETRIC DYSCHROMATOSIS OF THE EXTREMITIES; Dyschromatosis symmetrica hereditaria; DYSCHROMATOSIS SYMMETRICA HEREDITARIA 1. Identifiers: Orphanet 41, MedGen C0406775, MONDO:0007483, OMIM 127400.
Aicardi-Goutieres syndrome 6 (AGS6). Identifiers: Orphanet 51, MedGen C3539013, MONDO:0014007, OMIM 615010.

Allele frequency attached by ClinVar (database versions not stated): gnomAD exomes 0.00001 and 0.00003; ExAC 0.00002; TOPMed 0.00002; gnomAD 0.00003 and 0.00004.
gnomAD v4.1: 50 of 1,613,958 alleles (0.0031%); highest among the groups gnomAD compares: Non-Finnish European, 0.0042%; no homozygotes.

Submissions (2):

Labcorp Genetics (formerly Invitae), Labcorp
Classification: Uncertain significance for Aicardi-Goutieres syndrome 6; Symmetrical dyschromatosis of extremities. Last evaluated: 2025-04-24. Review status: criteria provided, single submitter. Criteria: Invitae Variant Classification Sherloc (09022015). Collection method: clinical testing. Allele origin: germline.
Comment: This sequence change affects codon 1067 of the ADAR mRNA. It is a 'silent' change, meaning that it does not change the encoded amino acid sequence of the ADAR protein. It affects a nucleotide within the consensus splice site. This variant is present in population databases (rs750105086, gnomAD 0.003%). This variant has not been reported in the literature in individuals affected with ADAR-related conditions. ClinVar contains an entry for this variant (Variation ID: 392448). Algorithms developed to predict the effect of sequence changes on RNA splicing suggest that this variant is not likely to affect RNA splicing. In summary, the available evidence is currently insufficient to determine the role of this variant in disease. Therefore, it has been classified as a Variant of Uncertain Significance.

GeneDx
Classification: Likely benign. Last evaluated: 2016-12-29. Review status: criteria provided, single submitter. Criteria: GeneDx Variant Classification (06012015). Collection method: clinical testing. Allele origin: germline. Affected: yes.
Comment: This variant is considered likely benign or benign based on one or more of the following criteria: it is a conservative change, it occurs at a poorly conserved position in the protein, it is predicted to be benign by multiple in silico algorithms, and/or has population frequency not consistent with disease.